The following is an entry in ClinVar:

ClinVar aggregate classification (germline): Conflicting classifications of pathogenicity. Review status: criteria provided, conflicting classifications (1 of 4 stars). 4 submissions from 4 submitters: Uncertain significance (1); Benign (1); Likely benign (2). Last evaluated 2025-02-26.

Conditions:
Hereditary cancer-predisposing syndrome. Also called: Neoplastic Syndromes, Hereditary; Tumor predisposition; Hereditary Cancer Syndrome; Hereditary neoplastic syndrome. Identifiers: Orphanet 140162, MedGen C0027672, MeSH D009386, MONDO:0015356.
Multiple endocrine neoplasia, type 2 (MEN2). Identifiers: Orphanet 653, MedGen C4048306, MONDO:0019003. Disease mechanism: gain of function.
Multiple endocrine neoplasia type 2A. Also called: Multiple Endocrine Neoplasia Type 2A (MEN2A); MULTIPLE ENDOCRINE NEOPLASIA, TYPE IIA; PTC SYNDROME; SIPPLE SYNDROME; MEN 2A; MEN-2A syndrome. Identifiers: Orphanet 247698, Orphanet 653, MedGen C0025268, MeSH D018813, MONDO:0008234, OMIM 171400.

Allele frequency attached by ClinVar (database versions not stated): gnomAD exomes below 0.00001.
gnomAD v4.1: 1 of 1,612,234 alleles (0.000062%); highest among the groups gnomAD compares: Admixed American, 0.0017%; no homozygotes.

Submissions (4):

Myriad Genetics, Inc.
Classification: Benign for Multiple endocrine neoplasia type 2A. Last evaluated: 2025-02-26. Review status: criteria provided, single submitter. Criteria: Myriad Autosomal Dominant, Autosomal Recessive and X-Linked Classification Criteria (2023). Collection method: clinical testing. Allele origin: unknown.
Comment: This variant is considered benign. This variant is a silent/synonymous amino acid change and it is not expected to impact splicing.

Labcorp Genetics (formerly Invitae), Labcorp
Classification: Likely benign for Multiple endocrine neoplasia, type 2. Last evaluated: 2024-05-15. Review status: criteria provided, single submitter. Criteria: Invitae Variant Classification Sherloc (09022015). Collection method: clinical testing. Allele origin: germline.

Ambry Genetics
Classification: Likely benign for Hereditary cancer-predisposing syndrome. Last evaluated: 2021-10-21. Review status: criteria provided, single submitter. Criteria: Ambry Variant Classification Scheme 2023. Collection method: clinical testing. Allele origin: germline.

Quest Diagnostics Nichols Institute San Juan Capistrano
Classification: Uncertain significance. Last evaluated: 2021-08-16. Review status: criteria provided, single submitter. Criteria: Quest Diagnostics criteria. Collection method: clinical testing. Allele origin: unknown.

NM_020975.6(RET):c.1968C>T (p.Cys656=)

Gene: RET (ret proto-oncogene; plus strand). Cytogenetic location: 10q11.21.
Variant type: single nucleotide variant.
Coding change: c.1968C>T on transcript NM_020975.6 (MANE Select); coding-DNA position 1968, C replaced by T.
Protein change: p.Cys656=; no amino-acid change (cysteine 656 retained).
Molecular consequence: synonymous variant. On other transcripts: intron variant (4).
Genome position (GRCh38, 1-based): chr10:43,114,568, C>T. VCF-style: chr10-43114568-C-T. GRCh37 (hg19) VCF-style: chr10-43610016-C-T.
Other names: c.1968C>T, p.Cys656= (NM_000323.2, NM_001406743.1, NM_001406744.1 and 4 more transcripts); c.1206C>T, p.Cys402= (NM_001355216.2); c.1839C>T, p.Cys613= (NM_001406761.1, NM_001406762.1, NM_001406764.1); c.1680C>T, p.Cys560= (NM_001406766.1, NM_001406767.1, NM_001406770.1); c.1572C>T, p.Cys524= (NM_001406769.1, NM_001406772.1); c.1530C>T, p.Cys510= (NM_001406771.1, NM_001406773.1); c.1443C>T, p.Cys481= (NM_001406774.1); c.1242C>T, p.Cys414= (NM_001406775.1, NM_001406776.1, NM_001406777.1 and 1 more transcripts); and 10 more.
Identifiers: ClinVar variation 1783556 (VCV001783556.7), dbSNP rs2132847951, ClinGen allele CA469479763.